The following is an entry in ClinVar:

ClinVar aggregate classification (germline): Likely benign. Review status: criteria provided, multiple submitters, no conflicts (2 of 4 stars). 3 submissions from 3 submitters: Likely benign (3). Last evaluated 2025-08-01.

Conditions:
KBG syndrome (KBGS). Also called: ANKRD11-Related KBG Syndrome. Identifiers: Orphanet 2332, MedGen C0220687, MONDO:0007846, OMIM 148050.

Submissions (3):

CeGaT Center for Human Genetics Tuebingen
Classification: Likely benign. Last evaluated: 2025-08-01. Review status: criteria provided, single submitter. Criteria: CeGaT Center For Human Genetics Tuebingen Variant Classification Criteria Version 2. Collection method: clinical testing. Allele origin: germline. Affected: yes. Observed: 1 variant allele.
Comment: ANKRD11: BP4, BP7

Blueprint Genetics
Classification: Likely benign. Last evaluated: 2024-08-14. Review status: criteria provided, single submitter. Criteria: ACMG Guidelines, 2015. Collection method: clinical testing. Allele origin: germline.

Labcorp Genetics (formerly Invitae), Labcorp
Classification: Likely benign for KBG syndrome. Last evaluated: 2024-04-01. Review status: criteria provided, single submitter. Criteria: Invitae Variant Classification Sherloc (09022015). Collection method: clinical testing. Allele origin: germline.

NM_013275.6(ANKRD11):c.1578C>T (p.His526=)

Gene: ANKRD11 (ankyrin repeat domain 11; minus strand). Cytogenetic location: 16q24.3.
Variant type: single nucleotide variant.
Coding change: c.1578C>T on transcript NM_013275.6 (MANE Select); coding-DNA position 1578, C replaced by T.
Protein change: p.His526=; no amino-acid change (histidine 526 retained).
Molecular consequence: synonymous variant.
Genome position (GRCh38, 1-based): chr16:89,284,964, G>A on the plus strand (C>T on the coding strand, the complement: ANKRD11 is on the minus strand). VCF-style: chr16-89284964-G-A. GRCh37 (hg19) VCF-style: chr16-89351372-G-A.
Other names: c.1578C>T, p.His526= (NM_001256182.2, NM_001256183.2).
Identifiers: ClinVar variation 3713674 (VCV003713674.11).